The following is an entry in ClinVar:

NM_001370100.5(ZMYND11):c.876_882del (p.Phe293fs)

Gene: ZMYND11 (zinc finger MYND-type containing 11; plus strand). Cytogenetic location: 10p15.3.
Variant type: Microsatellite.
Coding change: c.876_882del on transcript NM_001370100.5 (MANE Select); coding-DNA positions 876 to 882, 7 bases deleted (GTTTTGG; older notation c.876_882delGTTTTGG).
Protein change: p.Phe293fs; shifts the reading frame from phenylalanine 293.
Molecular consequence: frameshift variant. On other transcripts: non-coding transcript variant (1).
Genome position (GRCh38, 1-based): chr10:242,065-242,071, GTTTTGG deleted; deleting any 7 consecutive bases within chr10:242,057-242,071 gives the same sequence; the c. name uses the placement nearest the transcript's 3' end. VCF-style (leftmost placement, unchanged base first): chr10-242056-AGGTTTTG-A. GRCh37 (hg19) VCF-style: chr10-287996-AGGTTTTG-A.
Other names: c.570_576del, p.Phe191fs (NM_001370122.2); c.519_525del, p.Phe174fs (NM_001370123.2); c.405_411del, p.Phe136fs (NM_001370124.3); c.876_882del, p.Phe293fs (NM_006624.7, NM_001370117.2, NM_001202468.1 and 5 more transcripts); c.873_879del, p.Phe292fs (NM_212479.4, NM_001370115.2); c.825_831del, p.Phe276fs (NM_001370112.2, NM_001330057.3); c.783_789del, p.Phe262fs (NM_001370113.2, NM_001370114.2); c.810_816del, p.Phe271fs (NM_001370116.2); and 8 more; short protein forms F136fs, F174fs, F191fs, F199fs, F208fs, F217fs, F238fs, F239fs.
Identifiers: ClinVar variation 2503414 (VCV002503414.5), dbSNP rs2539906008, ClinGen allele CA2580615419.

ClinVar aggregate classification (germline): Pathogenic/Likely pathogenic. Review status: criteria provided, multiple submitters, no conflicts (2 of 4 stars). 3 submissions from 3 submitters: Pathogenic (1); Likely pathogenic (1). 1 of the submissions does not count toward it. Last evaluated 2025-08-14.

Conditions:
Intellectual developmental disorder, autosomal dominant 30, with speech delay and behavioral abnormalities. Also called: Intellectual disability, autosomal dominant 30. Identifiers: Orphanet 436151, MedGen C4015167, MONDO:0014486, OMIM 616083.

Submissions (3):

Variantyx, Inc.
Classification: Likely pathogenic for Intellectual developmental disorder, autosomal dominant 30, with speech delay and behavioral abnormalities. Last evaluated: 2025-08-14. Review status: criteria provided, single submitter. Criteria: Variantyx Assertion Criteria 2022. Collection method: clinical testing. Allele origin: germline. Inheritance: Autosomal dominant inheritance. Affected: yes.
Comment: This is a frameshift variant in the ZMYND11 gene (OMIM: 608668). Pathogenic variants in this gene have been associated with autosomal dominant intellectual developmental disorder 30. This variant introduces a premature termination codon in exon 10 out of 15. and is expected to result in loss of function, which is a known disease mechanism for ZMYND11 in this disorder (PMID: 22542183, 25217958, 27626064) (PVS1). This variant is absent from control populations (PM2). Based on the current evidence, this variant is classified as likely pathogenic for autosomal dominant intellectual developmental disorder 30.Inheritance from an unaffected or mildly affected parent has been reported in the ZMYND11 gene, consistent with incomplete penetrance and/or variable expressivity (PMID: 25217958, 32097528).

GeneDx
Classification: Pathogenic. Last evaluated: 2024-02-26. Review status: criteria provided, single submitter. Criteria: GeneDx Variant Classification Process June 2021. Collection method: clinical testing. Allele origin: germline.
Comment: Frameshift variant predicted to result in protein truncation or nonsense mediated decay in a gene for which loss of function is a known mechanism of disease; Not observed at significant frequency in large population cohorts (gnomAD); Has not been previously published as pathogenic or benign to our knowledge

Clinical Laboratory Sciences Program (CLSP), King Saud bin Abdulaziz University for Health Sciences (KSAU-HS)
Classification: Pathogenic for Intellectual developmental disorder, autosomal dominant 30, with speech delay and behavioral abnormalities. Last evaluated: 2023-04-01. Review status: no assertion criteria provided. Collection method: clinical testing. Allele origin: germline. Affected: yes. Not counted in ClinVar's aggregate classification.

Literature cited by the submitters: PubMed 22542183 (cited by Variantyx, Inc.); PubMed 25217958 (cited by Variantyx, Inc.); PubMed 27626064 (cited by Variantyx, Inc.).